The following is an entry in ClinVar:

ClinVar aggregate classification (germline): Uncertain significance (1 of 4 stars; one submission).

Submission:

Labcorp Genetics (formerly Invitae), Labcorp
Classification: Uncertain significance. Last evaluated: 2022-01-15. Review status: criteria provided, single submitter. Criteria: Invitae Variant Classification Sherloc (09022015). Collection method: clinical testing. Allele origin: germline.
Comment: Algorithms developed to predict the effect of missense changes on protein structure and function are either unavailable or do not agree on the potential impact of this missense change (SIFT: "Deleterious"; PolyPhen-2: "Benign"; Align-GVGD: "Class C0"). In summary, the available evidence is currently insufficient to determine the role of this variant in disease. Therefore, it has been classified as a Variant of Uncertain Significance. This variant has not been reported in the literature in individuals affected with PAX1-related conditions. This variant is not present in population databases (gnomAD no frequency). This sequence change replaces arginine, which is basic and polar, with methionine, which is neutral and non-polar, at codon 436 of the PAX1 protein (p.Arg436Met).

NM_001257096.2(PAX1):c.1317G>T (p.Lys439Asn)

Gene: PAX1 (paired box 1; plus strand). Cytogenetic location: 20p11.22.
Variant type: single nucleotide variant.
Coding change: c.1317G>T on transcript NM_001257096.2 (MANE Select); coding-DNA position 1317, G replaced by T.
Protein change: p.Lys439Asn; replaces lysine 439 with asparagine.
Molecular consequence: missense variant.
Genome position (GRCh38, 1-based): chr20:21,714,505, G>T. VCF-style: chr20-21714505-G-T. GRCh37 (hg19) VCF-style: chr20-21695143-G-T.
Other names: c.1307G>T, p.Arg436Met (NM_006192.5); short protein forms R436M, K439N.
Identifiers: ClinVar variation 1498127 (VCV001498127.8), dbSNP rs576511271, ClinGen allele CA408499820.